The following is an entry in ClinVar:

NM_000091.5(COL4A3):c.4252G>C (p.Gly1418Arg)

Genes: COL4A3 (collagen type IV alpha 3 chain; plus strand), MFF-DT (MFF divergent transcript; minus strand). Cytogenetic location: 2q36.3.
Variant type: single nucleotide variant.
Coding change: c.4252G>C on transcript NM_000091.5 (MANE Select); coding-DNA position 4252, G replaced by C.
Protein change: p.Gly1418Arg; replaces glycine 1418 with arginine.
Molecular consequence: missense variant.
Genome position (GRCh38, 1-based): chr2:227,305,083, G>C. VCF-style: chr2-227305083-G-C. GRCh37 (hg19) VCF-style: chr2-228169799-G-C.
Other names: short protein forms G1418R.
Identifiers: ClinVar variation 3236369 (VCV003236369.2), dbSNP rs2469916768, ClinGen allele CA350864000.

ClinVar aggregate classification (germline): Likely pathogenic. Review status: criteria provided, multiple submitters, no conflicts (2 of 4 stars). 2 submissions from 2 submitters: Likely pathogenic (2). Last evaluated 2024-03-06.

Conditions:
Autosomal dominant Alport syndrome (ATS3A). Also called: Alport syndrome dominant type; Renal failure and sensorineural hearing loss; ALPORT SYNDROME 3A, AUTOSOMAL DOMINANT. Identifiers: Orphanet 63, Orphanet 88918, MedGen C5882663, MONDO:0007086, OMIM 104200.
Hematuria, benign familial, 2 (BFH2). Identifiers: MedGen C5830421, MONDO:0958186, OMIM 620320.
Alport syndrome 3b, autosomal recessive. Identifiers: MedGen C5882699, MONDO:0957811, OMIM 620536.

Submissions (2):

MVZ Medizinische Genetik Mainz
Classification: Likely pathogenic for Autosomal dominant Alport syndrome. Last evaluated: 2024-03-06. Review status: criteria provided, single submitter. Criteria: UK Practice Guidelines For Variant Classification V4 01 2020. Collection method: clinical testing. Allele origin: germline. Inheritance: Autosomal dominant inheritance. Affected: yes. Observed: 1 variant allele.
Comment: ACMG Criteria: PM1_STR,PM5,PM2_SUP,PP3

Fulgent Genetics
Classification: Likely pathogenic for Autosomal dominant Alport syndrome; Hematuria, benign familial, 2; Alport syndrome 3b, autosomal recessive. Last evaluated: 2024-02-09. Review status: criteria provided, single submitter. Criteria: ACMG Guidelines, 2015. Collection method: clinical testing. Allele origin: germline.